The following is an entry in ClinVar:

NM_007294.4(BRCA1):c.301+8T>C

Gene: BRCA1 (BRCA1 DNA repair associated; minus strand). Cytogenetic location: 17q21.31.
Variant type: single nucleotide variant.
Coding change: c.301+8T>C on transcript NM_007294.4 (MANE Select); 8 bases into the intron after coding-DNA position 301, T replaced by C.
Molecular consequence: intron variant.
Genome position (GRCh38, 1-based): chr17:43,104,860, A>G on the plus strand (T>C on the coding strand, the complement: BRCA1 is on the minus strand). VCF-style: chr17-43104860-A-G. GRCh37 (hg19) VCF-style: chr17-41256877-A-G.
Other names: IVS6+8T>C; c.301+8T>C (NM_001407613.1, NM_001408436.1, NM_001407665.1 and 164 more transcripts); c.169+8T>C (NM_001408451.1); c.91+8T>C (NM_001407898.1, NM_001407881.1, NM_001408509.1 and 58 more transcripts); c.160+8T>C (NM_001407932.1, NM_001408464.1, NM_001407742.1 and 99 more transcripts); c.223+8T>C (NM_001408475.1, NM_001407875.1, NM_001407659.1 and 21 more transcripts); c.292+17T>C (NM_001408408.1, NM_001407647.1, NM_001407646.1); c.-218-10000T>C (NM_001407966.1, NM_001407967.1); and 1 more.
Identifiers: ClinVar variation 125666 (VCV000125666.81), dbSNP rs80358101, ClinGen allele CA001972.

ClinVar aggregate classification (germline): Benign. Review status: reviewed by expert panel (3 of 4 stars). 19 submissions from 19 submitters: Benign (1). 18 of the submissions do not count toward it. Last evaluated 2019-06-18.

Conditions:
Hereditary cancer-predisposing syndrome. Also called: Tumor predisposition; Hereditary neoplastic syndrome; Hereditary Cancer Syndrome; Neoplastic Syndromes, Hereditary. Identifiers: Orphanet 140162, MedGen C0027672, MeSH D009386, MONDO:0015356.
Hereditary breast ovarian cancer syndrome. Also called: Hereditary breast and/or ovarian cancer syndrome; Breast and ovarian cancer; Hereditary breast and ovarian cancer syndrome; Hereditary breast and ovarian cancer; Hereditary breast and ovarian cancer syndrome (HBOC); BRCA1- and BRCA2-Associated Hereditary Breast and Ovarian Cancer. Identifiers: Orphanet 145, MedGen C0677776, MeSH D061325, MONDO:0003582. Disease mechanism: loss of function.
Breast-ovarian cancer, familial, susceptibility to, 1 (BROVCA1). Also called: BRCA1 Hereditary Breast and Ovarian Cancer; OVARIAN CANCER, SUSCEPTIBILITY TO. Identifiers: Orphanet 145, MedGen C2676676, MONDO:0011450, OMIM 604370. Disease mechanism: loss of function.

Allele frequency attached by ClinVar (database versions not stated): gnomAD exomes 0.00005 and 0.00014; ExAC 0.00014; 1000 Genomes Project 30x 0.00016; 1000 Genomes Project 0.00020; gnomAD 0.00049 and 0.00054; TOPMed 0.00049; ESP Exome Variant Server 0.00054.
gnomAD v4.1: 146 of 1,610,996 alleles (0.0091%); highest among the groups gnomAD compares: African/African-American, 0.16%; no homozygotes.

Submissions (20):

Evidence-based Network for the Interpretation of Germline Mutant Alleles (ENIGMA)
Classification: Benign for Breast-ovarian cancer, familial, susceptibility to, 1. Last evaluated: 2019-06-18. Review status: reviewed by expert panel. Criteria: ENIGMA BRCA1/2 Classification Criteria (2017-06-29). Collection method: curation. Allele origin: germline.
Comment: Variant allele has no predicted coding change (intronic variant), AND low bioinformatic likelihood to alter mRNA splicing (splicing prior 0.02), AND minor allele frequency 0.00148 (African), derived from gnomAD v2.1.1 non-cancer (2019-05-13).

Dasa
Classification: Benign for Breast-ovarian cancer, familial, susceptibility to, 1. Last evaluated: 2026-03-09. Review status: criteria provided, single submitter. Criteria: DASA Assertion Criteria. Collection method: clinical testing. Allele origin: germline. Not counted in ClinVar's aggregate classification.
Comment: NM_007294.4(BRCA1):c.301+8T>C is a splice-region variant. Functional evidence is consistent with no deleterious impact on the gene or gene product. Computational prediction algorithms are consistent with a benign effect. Therefore, based on the currently available evidence, this variant is classified as benign.

Labcorp Genetics (formerly Invitae), Labcorp
Classification: Benign for Hereditary breast ovarian cancer syndrome. Last evaluated: 2026-01-28. Review status: criteria provided, single submitter. Criteria: Invitae Variant Classification Sherloc (09022015). Collection method: clinical testing. Allele origin: germline. Not counted in ClinVar's aggregate classification.

ARUP Laboratories, Molecular Genetics and Genomics, ARUP Laboratories
Classification: Likely benign. Last evaluated: 2024-04-19. Review status: criteria provided, single submitter. Criteria: ARUP Molecular Germline Variant Investigation Process 2024. Collection method: clinical testing. Allele origin: germline. Not counted in ClinVar's aggregate classification.

Blueprint Genetics
Classification: Likely benign. Last evaluated: 2023-12-27. Review status: criteria provided, single submitter. Criteria: ACMG Guidelines, 2015. Collection method: clinical testing. Allele origin: germline. Not counted in ClinVar's aggregate classification.

Quest Diagnostics Nichols Institute San Juan Capistrano
Classification: Benign. Last evaluated: 2022-10-06. Review status: criteria provided, single submitter. Criteria: Quest Diagnostics criteria. Collection method: clinical testing. Allele origin: unknown. Not counted in ClinVar's aggregate classification.

National Health Laboratory Service, Universitas Academic Hospital and University of the Free State
Classification: Benign for Hereditary breast ovarian cancer syndrome. Last evaluated: 2021-11-16. Review status: criteria provided, single submitter. Criteria: ACMG Guidelines, 2015. Collection method: clinical testing. Allele origin: germline. Affected: yes. Observed: 2 variant alleles. Not counted in ClinVar's aggregate classification.

Genetics Program, Instituto Nacional de Cancer
Classification: Likely benign for Hereditary breast ovarian cancer syndrome. Last evaluated: 2021-11-01. Review status: criteria provided, single submitter. Criteria: ACMG Guidelines, 2015. Collection method: research. Allele origin: germline. Affected: yes. Not counted in ClinVar's aggregate classification.

Sema4
Classification: Likely benign for Hereditary cancer-predisposing syndrome. Last evaluated: 2021-07-30. Review status: criteria provided, single submitter. Criteria: Sema4 Curation Guidelines. Collection method: curation. Allele origin: germline. Not counted in ClinVar's aggregate classification.

Illumina Laboratory Services, Illumina
Classification: Uncertain significance for Breast-ovarian cancer, familial, susceptibility to, 1. Last evaluated: 2018-01-13. Review status: criteria provided, single submitter. Criteria: ICSL Variant Classification Criteria 13 December 2019. Collection method: clinical testing. Allele origin: germline. Not counted in ClinVar's aggregate classification.

Color Diagnostics, LLC DBA Color Health
Classification: Likely benign for Hereditary cancer-predisposing syndrome. Last evaluated: 2016-05-16. Review status: criteria provided, single submitter. Criteria: ACMG Guidelines, 2015. Collection method: clinical testing. Allele origin: germline. Not counted in ClinVar's aggregate classification.

Molecular Genetics Laboratory, University of Michigan
Classification: Benign for Breast-ovarian cancer, familial, susceptibility to, 1. Last evaluated: 2016-04-21. Review status: criteria provided, single submitter. Criteria: ACMG Guidelines, 2015. Collection method: clinical testing. Allele origin: germline. Affected: yes. Not counted in ClinVar's aggregate classification.

Women's Health and Genetics/Laboratory Corporation of America, LabCorp
Classification: Likely benign. Last evaluated: 2016-03-24. Review status: criteria provided, single submitter. Criteria: LabCorp Variant Classification Summary - May 2015. Collection method: clinical testing. Allele origin: germline. Not counted in ClinVar's aggregate classification.
Comment: Variant summary: c.301+8T>C affects a non-conserved nucleotide, resulting in an intronic change. Mutation taster predicts benign outcome. The variant is located in a position not widely known to affect splicing and 5/5 splicing prediction programs suggest no effect on splicing. This variant was found in 17/121300 control chromosomes at a frequency of 0.0001401, predominantly observed in the African subpopulation of ExAC with observed MAF of 0.001252, which exceeds the maximal expected frequency of a pathogenic allele (0.0010005), suggesting that the variant might be a polymorphism found in population(s) of African origin. Although the variant has been reported in subjects from HBOC families, there is no cosegregation study to show whether the variant could have explained the phenotype. BIC cites variant in one individual who also carried a potentially pathogenic variant BRCA1 c.302-1G>A. In addition, multiple clinical laboratories classified this variant as benign. Considering all, this variant is classified as Likely Benign until more information becomes available.

GeneDx
Classification: Benign. Last evaluated: 2014-03-14. Review status: criteria provided, single submitter. Criteria: GeneDx Variant Classification (06012015). Collection method: clinical testing. Allele origin: germline. Affected: yes. Not counted in ClinVar's aggregate classification.
Comment: This variant is considered likely benign or benign based on one or more of the following criteria: it is a conservative change, it occurs at a poorly conserved position in the protein, it is predicted to be benign by multiple in silico algorithms, and/or has population frequency not consistent with disease.

Genetic Services Laboratory, University of Chicago
Classification: Likely benign. Last evaluated: 2022-04-20. Review status: no assertion criteria provided. Collection method: clinical testing. Allele origin: germline. Affected: no. Not counted in ClinVar's aggregate classification.

Mayo Clinic Laboratories, Mayo Clinic
Classification: Likely benign. Last evaluated: 2017-11-01. Review status: no assertion criteria provided. Collection method: clinical testing. Allele origin: unknown. Not counted in ClinVar's aggregate classification.

Sharing Clinical Reports Project (SCRP)
Classification: Benign for Breast-ovarian cancer, familial 1. Last evaluated: 2012-11-30. Review status: no assertion criteria provided. Collection method: clinical testing. Allele origin: germline. Not counted in ClinVar's aggregate classification.

Breast Cancer Information Core (BIC) (BRCA1)
Classification: Uncertain significance for Breast-ovarian cancer, familial 1. Last evaluated: 2004-02-20. Review status: no assertion criteria provided. Collection method: clinical testing. Allele origin: germline. Affected: yes. Observed: 7 variant alleles. Not counted in ClinVar's aggregate classification.

Brotman Baty Institute, University of Washington
No classification provided (evidence only). Condition: Breast-ovarian cancer, familial 1. Review status: no classification provided. Collection method: in vitro. Allele origin: not applicable. Functional consequence: functionally_normal. Not counted in ClinVar's aggregate classification.
ClinVar note: "not provided" was previously submitted as the classification for the variant. However, the classification appeared to be based only on an observation of functional data so it was converted to no classification on 2025-07-30.

Department of Pathology and Laboratory Medicine, Sinai Health System
Classification: Likely benign. Review status: no assertion criteria provided. Collection method: clinical testing. Allele origin: unknown. Affected: yes. Observed: 7 variant alleles. Study: The Canadian Open Genetics Repository (COGR). Not counted in ClinVar's aggregate classification.

Literature cited by the submitters: PubMed 24667779 (cited by Quest Diagnostics Nichols Institute San Juan Capistrano); PubMed 30209399 (cited by Quest Diagnostics Nichols Institute San Juan Capistrano); DOI 10.3389/fgene.2022.834265 (cited by National Health Laboratory Service, Universitas Academic Hospital and University of the Free State); PubMed 36329109 (cited by Genetics Program, Instituto Nacional de Cancer); PubMed 16267036 (cited by Women's Health and Genetics/Laboratory Corporation of America, LabCorp); PubMed 16030099 (cited by Women's Health and Genetics/Laboratory Corporation of America, LabCorp); PubMed 20858050 (cited by Women's Health and Genetics/Laboratory Corporation of America, LabCorp).